The following is an entry in ClinVar:

ClinVar aggregate classification (germline): Uncertain significance (1 of 4 stars; one submission).

Conditions:
Hereditary pancreatitis (PCTT). Also called: PRSS1-Related Hereditary Pancreatitis; Hereditary chronic pancreatitis. Identifiers: Orphanet 676, MedGen C0238339, MONDO:0008185, OMIM 167800.

Submission:

Ambry Genetics
Classification: Uncertain significance for Hereditary pancreatitis. Last evaluated: 2025-02-22. Review status: criteria provided, single submitter. Criteria: Ambry Variant Classification Scheme 2023. Collection method: clinical testing. Allele origin: germline.
Comment: The p.A140T variant (also known as c.418G>A), located in coding exon 5 of the CTRC gene, results from a G to A substitution at nucleotide position 418. The alanine at codon 140 is replaced by threonine, an amino acid with similar properties. This amino acid position is conserved. In addition, this alteration is predicted to be deleterious by in silico analysis. Based on the available evidence, the clinical significance of this variant remains unclear.

NM_007272.3(CTRC):c.418G>A (p.Ala140Thr)

Gene: CTRC (chymotrypsin C; plus strand). Cytogenetic location: 1p36.21.
Variant type: single nucleotide variant.
Coding change: c.418G>A on transcript NM_007272.3 (MANE Select); coding-DNA position 418, G replaced by A.
Protein change: p.Ala140Thr; replaces alanine 140 with threonine.
Molecular consequence: missense variant.
Genome position (GRCh38, 1-based): chr1:15,443,480, G>A. VCF-style: chr1-15443480-G-A. GRCh37 (hg19) VCF-style: chr1-15769975-G-A.
Other names: short protein forms A140T.
Identifiers: ClinVar variation 3837293 (VCV003837293.1).